The following is an entry in ClinVar:

NM_000098.3(CPT2):c.1884C>T (p.Tyr628=)

Gene: CPT2 (carnitine palmitoyltransferase 2; plus strand). Cytogenetic location: 1p32.3.
Variant type: single nucleotide variant.
Coding change: c.1884C>T on transcript NM_000098.3 (MANE Select); coding-DNA position 1884, C replaced by T.
Protein change: p.Tyr628=; no amino-acid change (tyrosine 628 retained).
Molecular consequence: synonymous variant.
Genome position (GRCh38, 1-based): chr1:53,213,502, C>T. VCF-style: chr1-53213502-C-T. GRCh37 (hg19) VCF-style: chr1-53679174-C-T.
Other names: c.1884C>T (NM_000098.2); c.1815C>T, p.Tyr605= (NM_001330589.2).
Identifiers: ClinVar variation 1082512 (VCV001082512.11), dbSNP rs901767832, ClinGen allele CA22642165.

ClinVar aggregate classification (germline): Likely benign. Review status: criteria provided, single submitter (1 of 4 stars). 2 submissions from 2 submitters: Likely benign (1). 1 of the submissions does not count toward it. Last evaluated 2026-01-05.

Conditions:
CPT2-related disorder. Also called: CPT2-related condition.
Carnitine palmitoyltransferase II deficiency. Also called: Carnitine Palmitoyltransferase 2 Deficiency. Identifiers: Orphanet 157, MedGen C0342790, MONDO:0015515.

Allele frequency attached by ClinVar (database versions not stated): gnomAD exomes below 0.00001 and 0.00001; gnomAD 0.00001; TOPMed 0.00001.
gnomAD v4.1: 6 of 1,614,110 alleles (0.00037%); highest among the groups gnomAD compares: Non-Finnish European, 0.00051%; no homozygotes.

Submissions (2):

Labcorp Genetics (formerly Invitae), Labcorp
Classification: Likely benign for Carnitine palmitoyltransferase II deficiency. Last evaluated: 2026-01-05. Review status: criteria provided, single submitter. Criteria: Invitae Variant Classification Sherloc (09022015). Collection method: clinical testing. Allele origin: germline.

PreventionGenetics, part of Exact Sciences
Classification: Likely benign for CPT2-related condition. Last evaluated: 2023-04-27. Review status: no assertion criteria provided. Collection method: clinical testing. Allele origin: germline. Not counted in ClinVar's aggregate classification.
Comment: This variant is classified as likely benign based on ACMG/AMP sequence variant interpretation guidelines (Richards et al. 2015 PMID: 25741868, with internal and published modifications).